The following is an entry in ClinVar:

NC_000003.11:g.(?_197680864)_(197682644_?)del

Genes: DRC9 (dynein regulatory complex subunit 9; minus strand), RPL35A (ribosomal protein L35a; plus strand). Cytogenetic location: 3q29.
Variant type: Deletion.
Identifiers: ClinVar variation 2423447 (VCV002423447.4).

ClinVar aggregate classification (germline): Likely pathogenic (1 of 4 stars; one submission).

Conditions:
Diamond-Blackfan anemia 5 (DBA5). Also called: RPL35A-Related Diamond-Blackfan Anemia. Identifiers: Orphanet 124, MedGen C2675859, MONDO:0012925, OMIM 612528.

Submission:

Labcorp Genetics (formerly Invitae), Labcorp
Classification: Likely pathogenic for Diamond-Blackfan anemia 5. Last evaluated: 2022-08-04. Review status: criteria provided, single submitter. Criteria: Invitae Variant Classification Sherloc (09022015). Collection method: clinical testing. Allele origin: germline.
Comment: This variant is a gross deletion of the genomic region encompassing exon(s) 4-5 of the RPL35A gene, which includes the termination codon. This deletion extends beyond the assayed region for this gene and therefore may encompass additional genes. While this deletion is not anticipated to lead to nonsense mediated decay, it is expected to alter mRNA translation or result in a truncated protein product. This variant has not been reported in the literature in individuals affected with RPL35A-related conditions. In summary, the currently available evidence indicates that the variant is pathogenic, but additional data are needed to prove that conclusively. Therefore, this variant has been classified as Likely Pathogenic. This variant disrupts the C-terminus of the RPL35A protein. Other variant(s) that disrupt this region (p.Arg102*, p.Thr57Serfs*38, p.Asn65Thrfs*10) have been observed in individuals with RPL35A-related conditions (PMID: 18535205, 32241839). This suggests that this may be a clinically significant region of the protein.

Literature cited by the submitters: PubMed 18535205; PubMed 32241839.